The following is an entry in ClinVar:

NC_000002.11:g.(?_179583571)_(179667566_?)del

Gene: TTN (titin; minus strand). Cytogenetic location: 2q31.2.
Variant type: Deletion.
Identifiers: ClinVar variation 3247306 (VCV003247306.1).

ClinVar aggregate classification (germline): Uncertain significance (1 of 4 stars; one submission).

Conditions:
Autosomal recessive limb-girdle muscular dystrophy type 2J (LGMDR10). Also called: Limb-girdle muscular dystrophy, type 2J; MUSCULAR DYSTROPHY, LIMB-GIRDLE, AUTOSOMAL RECESSIVE 10. Identifiers: Orphanet 140922, MedGen C1837342, MONDO:0012127, OMIM 608807.
Dilated cardiomyopathy 1G (CMD1G). Identifiers: Orphanet 154, MedGen C1858763, MONDO:0011400, OMIM 604145.

Submission:

Labcorp Genetics (formerly Invitae), Labcorp
Classification: Uncertain significance for Dilated cardiomyopathy 1G; Autosomal recessive limb-girdle muscular dystrophy type 2J. Last evaluated: 2023-07-12. Review status: criteria provided, single submitter. Criteria: Invitae Variant Classification Sherloc (09022015). Collection method: clinical testing. Allele origin: unknown.
Comment: This variant results in the deletion of exons 3-83 and part of exon 84 (c.92-498_24356del) of the TTN gene. It is expected to disrupt RNA splicing and likely results in a truncated or disrupted TTN protein. This variant has not been reported in the literature in individuals affected with TTN-related conditions. This variant is located in the I band of TTN (PMID: 25589632). Truncating variants in this region have been shown to be highly prevalent in the general population and unaffected individuals (PMID: 26701604, 22335739). However, truncating variants in this region have also been reported in individuals affected with autosomal recessive centronuclear myopathy (PMID: 23975875). In summary, the available evidence is currently insufficient to determine the role of this variant in disease. Therefore, it has been classified as a Variant of Uncertain Significance.

Literature cited by the submitters: PubMed 25589632; PubMed 26701604; PubMed 22335739; PubMed 23975875.